The following is an entry in ClinVar:

NM_015693.4(INTU):c.2209G>A (p.Val737Ile)

Gene: INTU (inturned planar cell polarity protein; plus strand). Cytogenetic location: 4q28.1.
Variant type: single nucleotide variant.
Coding change: c.2209G>A on transcript NM_015693.4 (MANE Select); coding-DNA position 2209, G replaced by A.
Protein change: p.Val737Ile; replaces valine 737 with isoleucine.
Molecular consequence: missense variant.
Genome position (GRCh38, 1-based): chr4:127,706,907, G>A. VCF-style: chr4-127706907-G-A. GRCh37 (hg19) VCF-style: chr4-128628062-G-A.
Other names: short protein forms V737I.
Identifiers: ClinVar variation 1412610 (VCV001412610.6), dbSNP rs1220546714, ClinGen allele CA358139308.
Genomic context (GRCh38, chr4:127,706,907, plus strand): 5'-GACAATGGTTGTGAAGGTGGAGAAGATGATGGCTTTAGCCCCCATACTACACCGGATGCA[G>A]TACGGAAGCAAAGAGAATCTCAGGGCTCTGATGGTTTAGAAGAAAGTGGGACCTTGCTTA-3'
Protein context (NP_056508.2, residues 727-747): GFSPHTTPDA[Val737Ile]RKQRESQGSD

ClinVar aggregate classification (germline): Uncertain significance (1 of 4 stars; one submission).

Allele frequency attached by ClinVar (database versions not stated): gnomAD exomes below 0.00001.
gnomAD v4.1: 7 of 1,614,082 alleles (0.00043%); highest among the groups gnomAD compares: Middle Eastern, 0.033%; no homozygotes.

Submission:

Labcorp Genetics (formerly Invitae), Labcorp
Classification: Uncertain significance. Last evaluated: 2024-09-23. Review status: criteria provided, single submitter. Criteria: Invitae Variant Classification Sherloc (09022015). Collection method: clinical testing. Allele origin: germline.
Comment: This sequence change replaces valine, which is neutral and non-polar, with isoleucine, which is neutral and non-polar, at codon 737 of the INTU protein (p.Val737Ile). This variant is present in population databases (no rsID available, gnomAD no frequency). This variant has not been reported in the literature in individuals affected with INTU-related conditions. ClinVar contains an entry for this variant (Variation ID: 1412610). Invitae Evidence Modeling of protein sequence and biophysical properties (such as structural, functional, and spatial information, amino acid conservation, physicochemical variation, residue mobility, and thermodynamic stability) indicates that this missense variant is not expected to disrupt INTU protein function with a negative predictive value of 80%. In summary, the available evidence is currently insufficient to determine the role of this variant in disease. Therefore, it has been classified as a Variant of Uncertain Significance.